The following is an entry in ClinVar:

ClinVar aggregate classification (germline): Benign/Likely benign. Review status: criteria provided, multiple submitters, no conflicts (2 of 4 stars). 3 submissions from 3 submitters: Benign (1); Likely benign (2). Last evaluated 2026-02-02.

Conditions:
Cone-rod dystrophy 15 (CORD15). Identifiers: MedGen C3150912, MONDO:0013348, OMIM 613660.

Allele frequency attached by ClinVar (database versions not stated): TOPMed 0.00280; gnomAD 0.00287; 1000 Genomes Project 30x 0.00312; 1000 Genomes Project 0.00339; ESP Exome Variant Server 0.00346.
gnomAD v4.1: 840 of 1,610,568 alleles (0.052%); highest among the groups gnomAD compares: African/African-American, 0.99%; 2 homozygotes.

Submissions (3):

Labcorp Genetics (formerly Invitae), Labcorp
Classification: Benign. Last evaluated: 2026-02-02. Review status: criteria provided, single submitter. Criteria: Invitae Variant Classification Sherloc (09022015). Collection method: clinical testing. Allele origin: germline.

Blueprint Genetics
Classification: Likely benign. Last evaluated: 2024-10-08. Review status: criteria provided, single submitter. Criteria: ACMG Guidelines, 2015. Collection method: clinical testing. Allele origin: germline.

Illumina Laboratory Services, Illumina
Classification: Likely benign for Cone-rod dystrophy 15. Last evaluated: 2018-01-12. Review status: criteria provided, single submitter. Criteria: ICSL Variant Classification Criteria 13 December 2019. Collection method: clinical testing. Allele origin: germline.
Comment: This variant was observed in the ICSL laboratory as part of a predisposition screen in an ostensibly healthy population. It had not been previously curated by ICSL or reported in the Human Gene Mutation Database (HGMD: prior to June 1st, 2018), and was therefore a candidate for classification through an automated scoring system. Utilizing variant allele frequency, disease prevalence and penetrance estimates, and inheritance mode, an automated score was calculated to assess if this variant is too frequent to cause the disease. Based on the score and internal cut-off values, a variant classified as likely benign is not then subjected to further curation. The score for this variant resulted in a classification of likely benign for this disease.

NM_033100.4(CDHR1):c.2430C>A (p.Thr810=)

Gene: CDHR1 (cadherin related family member 1; plus strand). Cytogenetic location: 10q23.1.
Variant type: single nucleotide variant.
Coding change: c.2430C>A on transcript NM_033100.4 (MANE Select); coding-DNA position 2430, C replaced by A.
Protein change: p.Thr810=; no amino-acid change (threonine 810 retained).
Molecular consequence: synonymous variant. On other transcripts: intron variant (1).
Genome position (GRCh38, 1-based): chr10:84,214,471, C>A. VCF-style: chr10-84214471-C-A. GRCh37 (hg19) VCF-style: chr10-85974227-C-A.
Other names: c.2040+1123C>A (NM_001171971.3).
Identifiers: ClinVar variation 301259 (VCV000301259.16), dbSNP rs149954991, ClinGen allele CA5580227.